The following is an entry in ClinVar:

ClinVar aggregate classification (germline): Uncertain significance (1 of 4 stars; one submission).

Conditions:
Dyskeratosis congenita. Identifiers: Orphanet 1775, MedGen C0265965, MONDO:0015780.

Allele frequency attached by ClinVar (database versions not stated): gnomAD exomes below 0.00001; TOPMed 0.00001.

Submission:

Labcorp Genetics (formerly Invitae), Labcorp
Classification: Uncertain significance for Dyskeratosis congenita. Last evaluated: 2023-11-17. Review status: criteria provided, single submitter. Criteria: Invitae Variant Classification Sherloc (09022015). Collection method: clinical testing. Allele origin: germline.
Comment: This sequence change replaces cysteine, which is neutral and slightly polar, with arginine, which is basic and polar, at codon 1217 of the CTC1 protein (p.Cys1217Arg). This variant is present in population databases (no rsID available, gnomAD no frequency). This variant has not been reported in the literature in individuals affected with CTC1-related conditions. ClinVar contains an entry for this variant (Variation ID: 1468637). An algorithm developed to predict the effect of missense changes on protein structure and function (PolyPhen-2) suggests that this variant is likely to be disruptive. In summary, the available evidence is currently insufficient to determine the role of this variant in disease. Therefore, it has been classified as a Variant of Uncertain Significance.

NM_025099.6(CTC1):c.3649T>C (p.Cys1217Arg)

Gene: CTC1 (CST telomere replication complex component 1; minus strand). Cytogenetic location: 17p13.1.
Variant type: single nucleotide variant.
Coding change: c.3649T>C on transcript NM_025099.6 (MANE Select); coding-DNA position 3649, T replaced by C.
Protein change: p.Cys1217Arg; replaces cysteine 1217 with arginine.
Molecular consequence: missense variant. On other transcripts: non-coding transcript variant (1).
Genome position (GRCh38, 1-based): chr17:8,228,185, A>G on the plus strand (T>C on the coding strand, the complement: CTC1 is on the minus strand). VCF-style: chr17-8228185-A-G. GRCh37 (hg19) VCF-style: chr17-8131503-A-G.
Other names: short protein forms C1217R.
Identifiers: ClinVar variation 1468637 (VCV001468637.8), dbSNP rs1432386993, ClinGen allele CA397967475.